The following is an entry in ClinVar:

NM_005052.3(RAC3):c.519C>G (p.Ile173Met)

Gene: RAC3 (Rac family small GTPase 3; plus strand). Cytogenetic location: 17q25.3.
Variant type: single nucleotide variant.
Coding change: c.519C>G on transcript NM_005052.3 (MANE Select); coding-DNA position 519, C replaced by G.
Protein change: p.Ile173Met; replaces isoleucine 173 with methionine.
Molecular consequence: missense variant. On other transcripts: 3 prime UTR variant (1).
Genome position (GRCh38, 1-based): chr17:82,033,769, C>G. VCF-style: chr17-82033769-C-G. GRCh37 (hg19) VCF-style: chr17-79991645-C-G.
Other names: c.*10C>G (NM_001316307.2); short protein forms I173M.
Identifiers: ClinVar variation 3368056 (VCV003368056.1).

ClinVar aggregate classification (germline): Uncertain significance (1 of 4 stars; one submission).

Submission:

GeneDx
Classification: Uncertain significance. Last evaluated: 2024-01-17. Review status: criteria provided, single submitter. Criteria: GeneDx Variant Classification Process June 2021. Collection method: clinical testing. Allele origin: germline. Affected: yes.
Comment: Not observed at significant frequency in large population cohorts (gnomAD); In silico analysis supports that this missense variant has a deleterious effect on protein structure/function; Has not been previously published as pathogenic or benign to our knowledge